The following is an entry in ClinVar:

NM_001690.4(ATP6V1A):c.338C>A (p.Thr113Asn)

Gene: ATP6V1A (ATPase H+ transporting V1 subunit A; plus strand). Cytogenetic location: 3q13.31.
Variant type: single nucleotide variant.
Coding change: c.338C>A on transcript NM_001690.4 (MANE Select); coding-DNA position 338, C replaced by A.
Protein change: p.Thr113Asn; replaces threonine 113 with asparagine.
Molecular consequence: missense variant.
Genome position (GRCh38, 1-based): chr3:113,784,350, C>A. VCF-style: chr3-113784350-C-A. GRCh37 (hg19) VCF-style: chr3-113503197-C-A.
Other names: short protein forms T113N.
Identifiers: ClinVar variation 2047567 (VCV002047567.4), dbSNP rs1709014589, ClinGen allele CA354008054.

ClinVar aggregate classification (germline): Uncertain significance (1 of 4 stars; one submission).

Allele frequency attached by ClinVar (database versions not stated): TOPMed 0.00001.

Submission:

Labcorp Genetics (formerly Invitae), Labcorp
Classification: Uncertain significance. Last evaluated: 2022-07-20. Review status: criteria provided, single submitter. Criteria: Invitae Variant Classification Sherloc (09022015). Collection method: clinical testing. Allele origin: germline.
Comment: In summary, the available evidence is currently insufficient to determine the role of this variant in disease. Therefore, it has been classified as a Variant of Uncertain Significance. Algorithms developed to predict the effect of missense changes on protein structure and function are either unavailable or do not agree on the potential impact of this missense change (SIFT: "Deleterious"; PolyPhen-2: "Benign"; Align-GVGD: "Class C0"). This variant has not been reported in the literature in individuals affected with ATP6V1A-related conditions. This variant is not present in population databases (gnomAD no frequency). This sequence change replaces threonine, which is neutral and polar, with asparagine, which is neutral and polar, at codon 113 of the ATP6V1A protein (p.Thr113Asn).